The following is an entry in ClinVar:

NM_001365276.2(TNXB):c.5770A>G (p.Met1924Val)

Gene: TNXB (tenascin XB; minus strand). Cytogenetic location: 6p21.33.
Variant type: single nucleotide variant.
Coding change: c.5770A>G on transcript NM_001365276.2 (MANE Select); coding-DNA position 5770, A replaced by G.
Protein change: p.Met1924Val; replaces methionine 1924 with valine.
Molecular consequence: missense variant.
Genome position (GRCh38, 1-based): chr6:32,068,954, T>C on the plus strand (A>G on the coding strand, the complement: TNXB is on the minus strand). VCF-style: chr6-32068954-T-C. GRCh37 (hg19) VCF-style: chr6-32036731-T-C.
Other names: c.5770A>G, p.Met1924Val (NM_019105.8); short protein forms M1924V.
Identifiers: ClinVar variation 2571861 (VCV002571861.1), dbSNP rs2483576977, ClinGen allele CA363407516.

ClinVar aggregate classification (germline): Uncertain significance (1 of 4 stars; one submission).

Submission:

GeneDx
Classification: Uncertain significance. Last evaluated: 2023-01-05. Review status: criteria provided, single submitter. Criteria: GeneDx Variant Classification Process June 2021. Collection method: clinical testing. Allele origin: germline. Affected: yes.
Comment: Has not been previously published as pathogenic or benign to our knowledge; Not observed at significant frequency in large population cohorts (gnomAD); In silico analysis supports that this missense variant does not alter protein structure/function